The following is an entry in ClinVar:

NM_000334.4(SCN4A):c.2452G>A (p.Glu818Lys)

Genes: GH-LCR (growth hormone locus control region; plus strand), SCN4A (sodium voltage-gated channel alpha subunit 4; minus strand). Cytogenetic location: 17q23.3.
Variant type: single nucleotide variant.
Coding change: c.2452G>A on transcript NM_000334.4 (MANE Select); coding-DNA position 2452, G replaced by A.
Protein change: p.Glu818Lys; replaces glutamic acid 818 with lysine.
Molecular consequence: missense variant.
Genome position (GRCh38, 1-based): chr17:63,951,825, C>T on the plus strand (G>A on the coding strand, the complement: SCN4A is on the minus strand). VCF-style: chr17-63951825-C-T. GRCh37 (hg19) VCF-style: chr17-62029185-C-T.
Other names: short protein forms E818K.
Identifiers: ClinVar variation 1018266 (VCV001018266.8), dbSNP rs541785064, ClinGen allele CA8709575.

ClinVar aggregate classification (germline): Uncertain significance. Review status: criteria provided, multiple submitters, no conflicts (2 of 4 stars). 3 submissions from 3 submitters: Uncertain significance (3). Last evaluated 2025-07-28.

Conditions:
Hyperkalemic periodic paralysis. Also called: Familial hyperkalemic periodic paralysis; Gamstorp disease. Identifiers: Orphanet 682, MedGen C0238357, MONDO:0008224, OMIM 170500, HP:0007215.

Allele frequency attached by ClinVar (database versions not stated): ExAC 0.00016; 1000 Genomes Project 0.00020; gnomAD 0.00001; gnomAD exomes 0.00002 and 0.00004; 1000 Genomes Project 30x 0.00016.
gnomAD v4.1: 35 of 1,577,412 alleles (0.0022%); highest among the groups gnomAD compares: South Asian, 0.028%; no homozygotes.

Submissions (3):

Labcorp Genetics (formerly Invitae), Labcorp
Classification: Uncertain significance for Hyperkalemic periodic paralysis. Last evaluated: 2025-07-28. Review status: criteria provided, single submitter. Criteria: Invitae Variant Classification Sherloc (09022015). Collection method: clinical testing. Allele origin: germline.
Comment: This sequence change replaces glutamic acid, which is acidic and polar, with lysine, which is basic and polar, at codon 818 of the SCN4A protein (p.Glu818Lys). This variant is present in population databases (rs541785064, gnomAD 0.02%). This variant has not been reported in the literature in individuals affected with SCN4A-related conditions. ClinVar contains an entry for this variant (Variation ID: 1018266). Invitae Evidence Modeling of protein sequence and biophysical properties (such as structural, functional, and spatial information, amino acid conservation, physicochemical variation, residue mobility, and thermodynamic stability) indicates that this missense variant is not expected to disrupt SCN4A protein function with a negative predictive value of 95%. In summary, the available evidence is currently insufficient to determine the role of this variant in disease. Therefore, it has been classified as a Variant of Uncertain Significance.

Revvity Omics, Revvity
Classification: Uncertain significance. Last evaluated: 2023-12-11. Review status: criteria provided, single submitter. Criteria: ACMG Guidelines, 2015. Collection method: clinical testing. Allele origin: germline.

GeneDx
Classification: Uncertain significance. Last evaluated: 2022-07-22. Review status: criteria provided, single submitter. Criteria: GeneDx Variant Classification Process June 2021. Collection method: clinical testing. Allele origin: germline. Affected: yes.
Comment: In silico analysis supports that this missense variant has a deleterious effect on protein structure/function; Has not been previously published as pathogenic or benign to our knowledge